The following is an entry in ClinVar:

NM_194248.3(OTOF):c.4385_4386del (p.Val1462fs)

Gene: OTOF (otoferlin; minus strand). Cytogenetic location: 2p23.3.
Variant type: Deletion.
Coding change: c.4385_4386del on transcript NM_194248.3 (MANE Select); coding-DNA positions 4385 to 4386, 2 bases deleted (TG; older notation c.4385_4386delTG).
Protein change: p.Val1462fs; shifts the reading frame from valine 1462.
Molecular consequence: frameshift variant.
Genome position (GRCh38, 1-based): chr2:26,466,828-26,466,829, CA deleted on the plus strand (TG on the coding strand, the reverse complement: OTOF is on the minus strand); deleting any 2 consecutive bases within chr2:26,466,828-26,466,830 gives the same sequence; the c. name uses the placement nearest the transcript's 3' end. VCF-style (leftmost placement, unchanged base first): chr2-26466827-GCA-G. GRCh37 (hg19) VCF-style: chr2-26689695-GCA-G.
Other names: c.4385_4386del, p.Val1462fs (NM_001287489.2); c.2084_2085del, p.Val695fs (NM_004802.4, NM_194323.3); c.2315_2316del, p.Val772fs (NM_194322.3); short protein forms V772fs, V1462fs, V695fs.
Identifiers: ClinVar variation 2706062 (VCV002706062.3), dbSNP rs2465531415, ClinGen allele CA2697547939.

ClinVar aggregate classification (germline): Pathogenic (1 of 4 stars; one submission).

Submission:

Labcorp Genetics (formerly Invitae), Labcorp
Classification: Pathogenic. Last evaluated: 2023-12-28. Review status: criteria provided, single submitter. Criteria: Invitae Variant Classification Sherloc (09022015). Collection method: clinical testing. Allele origin: germline.
Comment: This sequence change creates a premature translational stop signal (p.Val1462Alafs*26) in the OTOF gene. It is expected to result in an absent or disrupted protein product. Loss-of-function variants in OTOF are known to be pathogenic (PMID: 18381613, 19250381, 22575033). This variant is not present in population databases (gnomAD no frequency). This variant has not been reported in the literature in individuals affected with OTOF-related conditions. For these reasons, this variant has been classified as Pathogenic.

Literature cited by the submitters: PubMed 18381613; PubMed 19250381; PubMed 22575033.